The following is an entry in ClinVar:

ClinVar aggregate classification (germline): Conflicting classifications of pathogenicity. Review status: criteria provided, conflicting classifications (1 of 4 stars). 3 submissions from 3 submitters: Pathogenic (1); Likely pathogenic (1); Uncertain significance (1). Last evaluated 2022-06-13.

Conditions:
Dilated cardiomyopathy 1II (CMD1II). Identifiers: Orphanet 154, MedGen C3554649, MONDO:0014073, OMIM 615184.

Allele frequency attached by ClinVar (database versions not stated): gnomAD 0.00001; gnomAD exomes 0.00001 and 0.00002; ExAC 0.00003; 1000 Genomes Project 30x 0.00016; 1000 Genomes Project 0.00020.

Submissions (3):

Labcorp Genetics (formerly Invitae), Labcorp
Classification: Pathogenic for Dilated cardiomyopathy 1II. Last evaluated: 2022-06-13. Review status: criteria provided, single submitter. Criteria: Invitae Variant Classification Sherloc (09022015). Collection method: clinical testing. Allele origin: germline.
Comment: For these reasons, this variant has been classified as Pathogenic. Disruption of the initiator codon has been observed in individuals with autosomal recessive myofibrillar myopathy (PMID: 31215171, 33834702). This variant is present in population databases (rs577253222, gnomAD 0.007%). This sequence change affects the initiator methionine of the CRYAB mRNA. The next in-frame methionine is located at codon 68.

Revvity Omics, Revvity
Classification: Uncertain significance. Last evaluated: 2022-03-03. Review status: criteria provided, single submitter. Criteria: ACMG Guidelines, 2015. Collection method: clinical testing. Allele origin: germline.

AiLife Diagnostics
Classification: Likely pathogenic. Last evaluated: 2022-01-18. Review status: criteria provided, single submitter. Criteria: ACMG Guidelines, 2015. Collection method: clinical testing. Allele origin: germline. Affected: yes. Observed: 1 variant allele.

Literature cited by the submitters: PubMed 31215171 (cited by Labcorp Genetics (formerly Invitae), Labcorp); PubMed 33834702 (cited by Labcorp Genetics (formerly Invitae), Labcorp).

NM_001289808.2(CRYAB):c.2T>C (p.Met1Thr)

Gene: CRYAB (crystallin alpha B; minus strand). Cytogenetic location: 11q23.1.
Variant type: single nucleotide variant.
Coding change: c.2T>C on transcript NM_001289808.2 (MANE Select); coding-DNA position 2, T replaced by C.
Protein change: p.Met1Thr; changes the start codon (methionine 1).
Molecular consequence: missense variant, initiator codon variant.
Genome position (GRCh38, 1-based): chr11:111,911,723, A>G on the plus strand (T>C on the coding strand, the complement: CRYAB is on the minus strand). VCF-style: chr11-111911723-A-G. GRCh37 (hg19) VCF-style: chr11-111782447-A-G.
Other names: c.2T>C, p.Met1Thr (NM_001289807.1, NM_001368245.1, NM_001885.3); short protein forms M1T.
Identifiers: ClinVar variation 1677811 (VCV001677811.10), dbSNP rs577253222, ClinGen allele CA6275592.